The following is an entry in ClinVar:

ClinVar aggregate classification (germline): Conflicting classifications of pathogenicity. Review status: criteria provided, conflicting classifications (1 of 4 stars). 4 submissions from 4 submitters: Uncertain significance (3); Likely benign (1). Last evaluated 2026-01-18.

Conditions:
Methylcobalamin deficiency type cblG (HMAG). Also called: HOMOCYSTINURIA-MEGALOBLASTIC ANEMIA, cblG TYPE; HOMOCYSTINURIA-MEGALOBLASTIC ANEMIA DUE TO DEFECT IN COBALAMIN METABOLISM, cblG COMPLEMENTATION TYPE; HOMOCYSTINURIA-MEGALOBLASTIC ANEMIA, cblG COMPLEMENTATION TYPE; Functional methionine synthase deficiency type cblG. Identifiers: Orphanet 2170, Orphanet 622, MedGen C1855128, MONDO:0009609, OMIM 250940.
Disorders of Intracellular Cobalamin Metabolism. Identifiers: MedGen CN043592.

Allele frequency attached by ClinVar (database versions not stated): 1000 Genomes Project 30x 0.00016; 1000 Genomes Project 0.00020; ExAC 0.00021; ESP Exome Variant Server 0.00023; gnomAD exomes 0.00025 and 0.00030; gnomAD 0.00026; TOPMed 0.00029.
gnomAD v4.1: 432 of 1,614,184 alleles (0.027%); highest among the groups gnomAD compares: Admixed American, 0.025%; no homozygotes.

Submissions (4):

Labcorp Genetics (formerly Invitae), Labcorp
Classification: Likely benign for Methylcobalamin deficiency type cblG. Last evaluated: 2026-01-18. Review status: criteria provided, single submitter. Criteria: Invitae Variant Classification Sherloc (09022015). Collection method: clinical testing. Allele origin: germline.

GeneDx
Classification: Uncertain significance. Last evaluated: 2024-08-12. Review status: criteria provided, single submitter. Criteria: GeneDx Variant Classification Process June 2021. Collection method: clinical testing. Allele origin: germline. Affected: yes.
Comment: In silico analysis supports that this missense variant has a deleterious effect on protein structure/function; Has not been reported in association with MTR-related disease to our knowledge; This variant is associated with the following publications: (PMID: 28719003)

Laboratorio de Genetica e Diagnostico Molecular, Hospital Israelita Albert Einstein
Classification: Uncertain significance. Last evaluated: 2021-01-27. Review status: criteria provided, single submitter. Criteria: ACMG Guidelines, 2015. Collection method: clinical testing. Allele origin: germline. Affected: yes.
Comment: ACMG classification criteria: PP3, BS1

Illumina Laboratory Services, Illumina
Classification: Uncertain significance for Disorders of Intracellular Cobalamin Metabolism. Last evaluated: 2018-01-13. Review status: criteria provided, single submitter. Criteria: ICSL Variant Classification Criteria 13 December 2019. Collection method: clinical testing. Allele origin: germline.

NM_000254.3(MTR):c.3035A>T (p.Asp1012Val)

Gene: MTR (5-methyltetrahydrofolate-homocysteine methyltransferase; plus strand). Cytogenetic location: 1q43.
Variant type: single nucleotide variant.
Coding change: c.3035A>T on transcript NM_000254.3 (MANE Select); coding-DNA position 3035, A replaced by T.
Protein change: p.Asp1012Val; replaces aspartic acid 1012 with valine.
Molecular consequence: missense variant.
Genome position (GRCh38, 1-based): chr1:236,891,160, A>T. VCF-style: chr1-236891160-A-T. GRCh37 (hg19) VCF-style: chr1-237054460-A-T.
Other names: c.2882A>T, p.Asp961Val (NM_001291939.1); c.1814A>T, p.Asp605Val (NM_001291940.2); short protein forms D1012V, D605V, D961V.
Identifiers: ClinVar variation 296575 (VCV000296575.15), dbSNP rs201901663, ClinGen allele CA1474600.